The following is an entry in ClinVar:

ClinVar aggregate classification (germline): Uncertain significance. Review status: criteria provided, multiple submitters, no conflicts (2 of 4 stars). 2 submissions from 2 submitters: Uncertain significance (2). Last evaluated 2025-10-11.

Allele frequency attached by ClinVar (database versions not stated): gnomAD 0.00001; ESP Exome Variant Server 0.00008; ExAC 0.00002.
gnomAD v4.1: 8 of 1,613,880 alleles (0.0005%); highest among the groups gnomAD compares: Admixed American, 0.0033%; 1 homozygote.

Submissions (2):

Labcorp Genetics (formerly Invitae), Labcorp
Classification: Uncertain significance. Last evaluated: 2025-10-11. Review status: criteria provided, single submitter. Criteria: Invitae Variant Classification Sherloc (09022015). Collection method: clinical testing. Allele origin: germline.
Comment: This sequence change replaces glycine, which is neutral and non-polar, with alanine, which is neutral and non-polar, at codon 208 of the LZTS1 protein (p.Gly208Ala). This variant is present in population databases (rs371282620, gnomAD 0.0009%). This variant has not been reported in the literature in individuals affected with LZTS1-related conditions. ClinVar contains an entry for this variant (Variation ID: 3007070). Invitae Evidence Modeling of protein sequence and biophysical properties (such as structural, functional, and spatial information, amino acid conservation, physicochemical variation, residue mobility, and thermodynamic stability) indicates that this missense variant is not expected to disrupt LZTS1 protein function with a negative predictive value of 80%. In summary, the available evidence is currently insufficient to determine the role of this variant in disease. Therefore, it has been classified as a Variant of Uncertain Significance.

Ambry Genetics
Classification: Uncertain significance. Last evaluated: 2022-05-26. Review status: criteria provided, single submitter. Criteria: Ambry Variant Classification Scheme 2023. Collection method: clinical testing. Allele origin: germline.

NM_021020.5(LZTS1):c.623G>C (p.Gly208Ala)

Gene: LZTS1 (leucine zipper tumor suppressor 1; minus strand). Cytogenetic location: 8p21.3.
Variant type: single nucleotide variant.
Coding change: c.623G>C on transcript NM_021020.5 (MANE Select); coding-DNA position 623, G replaced by C.
Protein change: p.Gly208Ala; replaces glycine 208 with alanine.
Molecular consequence: missense variant.
Genome position (GRCh38, 1-based): chr8:20,253,308, C>G on the plus strand (G>C on the coding strand, the complement: LZTS1 is on the minus strand). VCF-style: chr8-20253308-C-G. GRCh37 (hg19) VCF-style: chr8-20110819-C-G.
Other names: c.623G>C, p.Gly208Ala (NM_001362884.2); c.623G>C (NM_021020.2); short protein forms G208A.
Identifiers: ClinVar variation 3007070 (VCV003007070.4), dbSNP rs371282620, ClinGen allele CA4657480.